The following is an entry in ClinVar:

NM_001347721.2(DYRK1A):c.1659dup (p.Pro554fs)

Gene: DYRK1A (dual specificity tyrosine phosphorylation regulated kinase 1A; plus strand). Cytogenetic location: 21q22.13.
Variant type: Duplication.
Coding change: c.1659dup on transcript NM_001347721.2 (MANE Select); coding-DNA position 1659, one base duplicated (T; older notation c.1659dupT).
Protein change: p.Pro554fs; shifts the reading frame from proline 554.
Molecular consequence: frameshift variant. On other transcripts: 3 prime UTR variant (1).
Genome position (GRCh38, 1-based): chr21:37,511,925, T duplicated; the last of 3 consecutive T bases (chr21:37,511,923-37,511,925); duplicating any one gives the same sequence. VCF-style (leftmost placement, unchanged base first): chr21-37511922-A-AT. GRCh37 (hg19) VCF-style: chr21-38884225-A-AT.
Other names: c.1659dup, p.Pro554fs (NM_001347722.2, NM_130436.2); c.1572dup, p.Pro525fs (NM_001347723.2); c.1686dup, p.Pro563fs (NM_001396.5); c.*62dup (NM_101395.2); c.1561dup, p.Ser521fs (NM_130438.2); short protein forms P525fs, P554fs, P563fs, S521fs.
Identifiers: ClinVar variation 4813611 (VCV004813611.1).

ClinVar aggregate classification (germline): Pathogenic (1 of 4 stars; one submission).

Conditions:
DYRK1A-related intellectual disability syndrome (MRD7). Also called: Intellectual developmental disorder, autosomal dominant 7; DYRK1A Syndrome. Identifiers: Orphanet 464306, MedGen C5568143, MONDO:0013578, OMIM 614104.

Submission:

Mendelics
Classification: Pathogenic for DYRK1A-related intellectual disability syndrome. Last evaluated: 2026-03-05. Review status: criteria provided, single submitter. Criteria: ACMG Guidelines, 2015. Collection method: clinical testing. Allele origin: unknown.
Comment: Likely pathogenic/Pathogenic according to ACMG criteria.